The following is an entry in ClinVar:

ClinVar aggregate classification (germline): Uncertain significance. Review status: criteria provided, multiple submitters, no conflicts (2 of 4 stars). 4 submissions from 4 submitters: Uncertain significance (4). Last evaluated 2025-03-17.

Conditions:
Inborn genetic diseases. Identifiers: MedGen C0950123, MeSH D030342.
Multiple congenital anomalies-hypotonia-seizures syndrome 1 (MCAHS1). Also called: PIGN-CDG; Congenital disorder of glycosylation due to PIGN deficiency; GLYCOSYLPHOSPHATIDYLINOSITOL BIOSYNTHESIS DEFECT 3. Identifiers: Orphanet 280633, MedGen C3279775, MONDO:0013563, OMIM 614080.

Allele frequency attached by ClinVar (database versions not stated): ExAC 0.00002; gnomAD exomes 0.00002 and 0.00003; TOPMed 0.00002; gnomAD 0.00003.
gnomAD v4.1: 53 of 1,613,212 alleles (0.0033%); highest among the groups gnomAD compares: Middle Eastern, 0.017%; no homozygotes.

Submissions (4):

GeneDx
Classification: Uncertain significance. Last evaluated: 2025-03-17. Review status: criteria provided, single submitter. Criteria: GeneDx Variant Classification Process June 2021. Collection method: clinical testing. Allele origin: germline. Affected: yes.
Comment: Not observed at significant frequency in large population cohorts (gnomAD); In silico analysis indicates that this missense variant does not alter protein structure/function; Has not been previously published as pathogenic or benign to our knowledge

Ambry Genetics
Classification: Uncertain significance for Inborn genetic diseases. Last evaluated: 2024-12-31. Review status: criteria provided, single submitter. Criteria: Ambry Variant Classification Scheme 2023. Collection method: clinical testing. Allele origin: germline.

Labcorp Genetics (formerly Invitae), Labcorp
Classification: Uncertain significance for Multiple congenital anomalies-hypotonia-seizures syndrome 1. Last evaluated: 2024-11-27. Review status: criteria provided, single submitter. Criteria: Invitae Variant Classification Sherloc (09022015). Collection method: clinical testing. Allele origin: germline.
Comment: This sequence change replaces serine, which is neutral and polar, with asparagine, which is neutral and polar, at codon 481 of the PIGN protein (p.Ser481Asn). This variant is present in population databases (rs763149264, gnomAD 0.004%). This variant has not been reported in the literature in individuals affected with PIGN-related conditions. ClinVar contains an entry for this variant (Variation ID: 539543). Invitae Evidence Modeling of protein sequence and biophysical properties (such as structural, functional, and spatial information, amino acid conservation, physicochemical variation, residue mobility, and thermodynamic stability) indicates that this missense variant is not expected to disrupt PIGN protein function with a negative predictive value of 80%. In summary, the available evidence is currently insufficient to determine the role of this variant in disease. Therefore, it has been classified as a Variant of Uncertain Significance.

Baylor Genetics
Classification: Uncertain significance for Multiple congenital anomalies-hypotonia-seizures syndrome 1. Last evaluated: 2018-02-07. Review status: criteria provided, single submitter. Criteria: ACMG Guidelines, 2015. Collection method: clinical testing. Allele origin: paternal. Affected: yes.
Comment: This variant was determined to be of uncertain significance according to ACMG Guidelines, 2015 [PMID:25741868].

NM_176787.5(PIGN):c.1442G>A (p.Ser481Asn)

Gene: PIGN (phosphatidylinositol glycan anchor biosynthesis class N; minus strand). Cytogenetic location: 18q21.33.
Variant type: single nucleotide variant.
Coding change: c.1442G>A on transcript NM_176787.5 (MANE Select); coding-DNA position 1442, G replaced by A.
Protein change: p.Ser481Asn; replaces serine 481 with asparagine.
Molecular consequence: missense variant.
Genome position (GRCh38, 1-based): chr18:62,109,966, C>T on the plus strand (G>A on the coding strand, the complement: PIGN is on the minus strand). VCF-style: chr18-62109966-C-T. GRCh37 (hg19) VCF-style: chr18-59777199-C-T.
Other names: c.1442G>A, p.Ser481Asn (NM_012327.6); short protein forms S481N.
Identifiers: ClinVar variation 539543 (VCV000539543.12), dbSNP rs763149264, ClinGen allele CA8982281.